The following is an entry in ClinVar:

NM_000051.4(ATM):c.1790dup (p.Ile598fs)

Gene: ATM (ATM serine/threonine kinase; plus strand). Cytogenetic location: 11q22.3.
Variant type: Duplication.
Coding change: c.1790dup on transcript NM_000051.4 (MANE Select); coding-DNA position 1790, one base duplicated (C; older notation c.1790dupC).
Protein change: p.Ile598fs; shifts the reading frame from isoleucine 598.
Molecular consequence: frameshift variant.
Genome position (GRCh38, 1-based): chr11:108,252,019, C duplicated; the last of 2 consecutive C bases (chr11:108,252,018-108,252,019); duplicating either gives the same sequence. VCF-style (leftmost placement, unchanged base first): chr11-108252017-T-TC. GRCh37 (hg19) VCF-style: chr11-108122744-T-TC.
Other names: c.1790dup, p.Ile598fs (NM_001351834.2); short protein forms I598fs.
Identifiers: ClinVar variation 3148536 (VCV003148536.1), dbSNP rs2497274779, ClinGen allele CA2825001799.
Genomic context (GRCh38, chr11:108,252,017, plus strand): 5'-AATGAAATGGCTCTTATTCTATCAGTTAGAGGGTGACTTAGAAAATAGCACAGAAGTGCC[T>TC]CCAATTCTTCACAGGTAATTTAAGTTCATTAGCATGCTGCTGTTTTTTTTGTTTGTTTTA-3'

ClinVar aggregate classification (germline): Pathogenic (1 of 4 stars; one submission).

Conditions:
Familial cancer of breast. Also called: BREAST CANCER, FAMILIAL; Hereditary breast cancer; hereditary breast carcinoma. Identifiers: Orphanet 227535, MedGen C0346153, MONDO:0016419, OMIM 114480. Disease mechanism: loss of function.

Submission:

Myriad Genetics, Inc.
Classification: Pathogenic for Familial cancer of breast. Last evaluated: 2024-01-16. Review status: criteria provided, single submitter. Criteria: Myriad Autosomal Dominant, Autosomal Recessive and X-Linked Classification Criteria (2023). Collection method: clinical testing. Allele origin: unknown.
Comment: This variant is considered pathogenic. This variant creates a frameshift predicted to result in premature protein truncation.